The following is an entry in ClinVar:

ClinVar aggregate classification (germline): Uncertain significance (1 of 4 stars; one submission).

Conditions:
Dilated cardiomyopathy 1DD (CMD1DD). Identifiers: Orphanet 154, MedGen C2750995, MONDO:0013168, OMIM 613172.

gnomAD v4.1: 2 of 1,525,490 alleles (0.00013%); highest among the groups gnomAD compares: South Asian, 0.0012%; no homozygotes.

Submission:

Labcorp Genetics (formerly Invitae), Labcorp
Classification: Uncertain significance for Dilated cardiomyopathy 1DD. Last evaluated: 2025-07-02. Review status: criteria provided, single submitter. Criteria: Invitae Variant Classification Sherloc (09022015). Collection method: clinical testing. Allele origin: germline.
Comment: This sequence change replaces glycine, which is neutral and non-polar, with serine, which is neutral and polar, at codon 37 of the RBM20 protein (p.Gly37Ser). This variant is not present in population databases (gnomAD no frequency). This variant has not been reported in the literature in individuals affected with RBM20-related conditions. Invitae Evidence Modeling of protein sequence and biophysical properties (such as structural, functional, and spatial information, amino acid conservation, physicochemical variation, residue mobility, and thermodynamic stability) indicates that this missense variant is not expected to disrupt RBM20 protein function with a negative predictive value of 95%. In summary, the available evidence is currently insufficient to determine the role of this variant in disease. Therefore, it has been classified as a Variant of Uncertain Significance.

NM_001134363.3(RBM20):c.109G>A (p.Gly37Ser)

Gene: RBM20 (RNA binding motif protein 20; plus strand). Cytogenetic location: 10q25.2.
Variant type: single nucleotide variant.
Coding change: c.109G>A on transcript NM_001134363.3 (MANE Select); coding-DNA position 109, G replaced by A.
Protein change: p.Gly37Ser; replaces glycine 37 with serine.
Molecular consequence: missense variant.
Genome position (GRCh38, 1-based): chr10:110,644,563, G>A. VCF-style: chr10-110644563-G-A. GRCh37 (hg19) VCF-style: chr10-112404321-G-A.
Other names: short protein forms G37S.
Identifiers: ClinVar variation 4802642 (VCV004802642.1).